The following is an entry in ClinVar:

NM_014159.7(SETD2):c.4874G>A (p.Arg1625His)

Gene: SETD2 (SET domain containing 2, histone lysine methyltransferase; minus strand). Cytogenetic location: 3p21.31.
Variant type: single nucleotide variant.
Coding change: c.4874G>A on transcript NM_014159.7 (MANE Select); coding-DNA position 4874, G replaced by A.
Protein change: p.Arg1625His; replaces arginine 1625 with histidine.
Molecular consequence: missense variant. On other transcripts: non-coding transcript variant (1).
Genome position (GRCh38, 1-based): chr3:47,103,389, C>T on the plus strand (G>A on the coding strand, the complement: SETD2 is on the minus strand). VCF-style: chr3-47103389-C-T. GRCh37 (hg19) VCF-style: chr3-47144879-C-T.
Other names: c.4742G>A, p.Arg1581His (NM_001349370.3); short protein forms R1581H, R1625H.
Identifiers: ClinVar variation 4694666 (VCV004694666.1).

ClinVar aggregate classification (germline): Uncertain significance (1 of 4 stars; one submission).

Conditions:
Luscan-Lumish syndrome. Identifiers: Orphanet 597738, MedGen C4085873, MONDO:0014791, OMIM 616831.

Submission:

Labcorp Genetics (formerly Invitae), Labcorp
Classification: Uncertain significance for Luscan-Lumish syndrome. Last evaluated: 2025-02-03. Review status: criteria provided, single submitter. Criteria: Invitae Variant Classification Sherloc (09022015). Collection method: clinical testing. Allele origin: germline.
Comment: This sequence change replaces arginine, which is basic and polar, with histidine, which is basic and polar, at codon 1625 of the SETD2 protein (p.Arg1625His). This variant is not present in population databases (gnomAD no frequency). This missense change has been observed in individual(s) with clinical features of SETD2-related conditions (PMID: 31643139). Invitae Evidence Modeling of protein sequence and biophysical properties (such as structural, functional, and spatial information, amino acid conservation, physicochemical variation, residue mobility, and thermodynamic stability) indicates that this missense variant is expected to disrupt SETD2 protein function with a positive predictive value of 80%. In summary, the available evidence is currently insufficient to determine the role of this variant in disease. Therefore, it has been classified as a Variant of Uncertain Significance.

Literature cited by the submitters: PubMed 31643139.